The following is an entry in ClinVar:

NM_020987.5(ANK3):c.8081G>T (p.Ser2694Ile)

Gene: ANK3 (ankyrin 3; minus strand). Cytogenetic location: 10q21.2.
Variant type: single nucleotide variant.
Coding change: c.8081G>T on transcript NM_020987.5 (MANE Select); coding-DNA position 8081, G replaced by T.
Protein change: p.Ser2694Ile; replaces serine 2694 with isoleucine.
Molecular consequence: missense variant. On other transcripts: intron variant (4).
Genome position (GRCh38, 1-based): chr10:60,072,800, C>A on the plus strand (G>T on the coding strand, the complement: ANK3 is on the minus strand). VCF-style: chr10-60072800-C-A. GRCh37 (hg19) VCF-style: chr10-61832558-C-A.
Other names: c.4388-4791G>T (NM_001204403.2); c.4409-4791G>T (NM_001204404.2); c.4406-4791G>T (NM_001320874.2); c.1808-4791G>T (NM_001149.4); short protein forms S2694I.
Identifiers: ClinVar variation 4097760 (VCV004097760.3).
Genomic context (GRCh38, chr10:60,072,800, plus strand): 5'-TTAGATTGTTTGAGCTGGAATCCAGACTGGGGCCCATCTGGTGCTTTGCTCTGTGAAATA[C>A]TTCCTTTGGCTTCCACTGTGGACTTGCTGTCCTCAGTCTGTTGGGAGAGAACCATCTTCT-3'
Protein context (NP_066267.2, residues 2684-2704): DSKSTVEAKG[Ser2694Ile]ISQSKAPDGP

ClinVar aggregate classification (germline): Uncertain significance. Review status: criteria provided, multiple submitters, no conflicts (2 of 4 stars). 2 submissions from 2 submitters: Uncertain significance (2). Last evaluated 2025-08-14.

Conditions:
Inborn genetic diseases. Identifiers: MedGen C0950123, MeSH D030342.

gnomAD v4.1: 12 of 1,614,006 alleles (0.00074%); highest among the groups gnomAD compares: African/African-American, 0.016%; no homozygotes.

Submissions (2):

Ambry Genetics
Classification: Uncertain significance for Inborn genetic diseases. Last evaluated: 2025-08-14. Review status: criteria provided, single submitter. Criteria: Ambry Variant Classification Scheme 2023. Collection method: clinical testing. Allele origin: germline.

Dasa
Classification: Uncertain significance. Last evaluated: 2025-04-23. Review status: criteria provided, single submitter. Criteria: DASA Assertion Criteria. Collection method: clinical testing. Allele origin: germline.
Comment: NM_020987.5(ANK3):c.8081G>T (p.Ser2694Ile) is a missense variant that results in the substitution of serine with isoleucine. This variant is rare in population databases. Computational prediction algorithms are consistent with a benign effect. The currently available literature and clinical evidence are not sufficient to establish a definitive association between this variant and the reported condition. Therefore, this variant is classified as a variant of uncertain significance.